The following is an entry in ClinVar:

ClinVar aggregate classification (germline): Uncertain significance. Review status: criteria provided, multiple submitters, no conflicts (2 of 4 stars). 4 submissions from 4 submitters: Uncertain significance (4). Last evaluated 2025-07-23.

Conditions:
Cyclical neutropenia. Also called: Cyclic hematopoiesis; Cyclic Neutropenia. Identifiers: Orphanet 2686, MedGen C0221023, MONDO:0008090, OMIM 162800, HP:0040289. Disease mechanism: loss of function.
Neutropenia, severe congenital, 1, autosomal dominant. Identifiers: MedGen C1859966, MONDO:0042490, OMIM 202700.

Allele frequency attached by ClinVar (database versions not stated): gnomAD 0.00001; gnomAD exomes 0.00001; TOPMed 0.00001; 1000 Genomes Project 0.00020; 1000 Genomes Project 30x 0.00031.

Submissions (4):

Labcorp Genetics (formerly Invitae), Labcorp
Classification: Uncertain significance for Neutropenia, severe congenital, 1, autosomal dominant; Cyclical neutropenia. Last evaluated: 2025-07-23. Review status: criteria provided, single submitter. Criteria: Invitae Variant Classification Sherloc (09022015). Collection method: clinical testing. Allele origin: germline.
Comment: This sequence change replaces glutamine, which is neutral and polar, with arginine, which is basic and polar, at codon 102 of the ELANE protein (p.Gln102Arg). This variant is present in population databases (rs568474579, gnomAD 0.006%). This variant has not been reported in the literature in individuals affected with ELANE-related conditions. ClinVar contains an entry for this variant (Variation ID: 1036887). Invitae Evidence Modeling of protein sequence and biophysical properties (such as structural, functional, and spatial information, amino acid conservation, physicochemical variation, residue mobility, and thermodynamic stability) indicates that this missense variant is not expected to disrupt ELANE protein function with a negative predictive value of 95%. In summary, the available evidence is currently insufficient to determine the role of this variant in disease. Therefore, it has been classified as a Variant of Uncertain Significance.

Fulgent Genetics
Classification: Uncertain significance for Cyclical neutropenia; Neutropenia, severe congenital, 1, autosomal dominant. Last evaluated: 2024-06-19. Review status: criteria provided, single submitter. Criteria: ACMG Guidelines, 2015. Collection method: clinical testing. Allele origin: germline.

ARUP Laboratories, Molecular Genetics and Genomics, ARUP Laboratories
Classification: Uncertain significance. Last evaluated: 2023-03-23. Review status: criteria provided, single submitter. Criteria: ARUP Molecular Germline Variant Investigation Process 2024. Collection method: clinical testing. Allele origin: germline.
Comment: The ELANE c.305A>G; p.Gln102Arg variant (rs568474579), to our knowledge, is not reported in the medical literature but is reported in ClinVar (Variation ID: 1036887). This variant is only observed on two alleles in the Genome Aggregation Database, indicating it is not a common polymorphism. Computational analyses are uncertain whether this variant is neutral or deleterious (REVEL: 0.155). Due to limited information, the clinical significance of this variant is uncertain at this time.

Genetic Services Laboratory, University of Chicago
Classification: Uncertain significance. Last evaluated: 2021-01-04. Review status: criteria provided, single submitter. Criteria: ACMG Guidelines, 2015. Collection method: clinical testing. Allele origin: germline. Affected: no.
Comment: DNA sequence analysis of the ELANE gene demonstrated a sequence change, c.305A>G, in exon 3 that results in an amino acid change, p.Gln102Arg. This sequence change has been described in the gnomAD database in two individuals with an overall population frequency of 0.0008% (dbSNP rs568474579). The p.Gln102Arg change does not appear to have been previously described in individuals with ELANE-related disorders; however, a different amino acid change at the same location (p.Gln102Pro) has been reported in association with congenital neutropenia (PMID: 25501410). The p.Gln102Arg change affects a moderately conserved amino acid residue located in a domain of the ELANE protein that is known to be functional. The p.Gln102Arg substitution appears to be benign using several in-silico pathogenicity prediction tools (SIFT, PolyPhen2, Align GVGD, REVEL). Due to these contrasting evidences and the lack of functional studies, the clinical significance of the p.Gln102Arg change remains unknown at this time.

NM_001972.4(ELANE):c.305A>G (p.Gln102Arg)

Gene: ELANE (elastase, neutrophil expressed; plus strand). Cytogenetic location: 19p13.3.
Variant type: single nucleotide variant.
Coding change: c.305A>G on transcript NM_001972.4 (MANE Select); coding-DNA position 305, A replaced by G.
Protein change: p.Gln102Arg; replaces glutamine 102 with arginine.
Molecular consequence: missense variant.
Genome position (GRCh38, 1-based): chr19:853,342, A>G. VCF-style: chr19-853342-A-G. GRCh37 (hg19) VCF-style: chr19-853342-A-G.
Other names: short protein forms Q102R.
Identifiers: ClinVar variation 1036887 (VCV001036887.16), dbSNP rs568474579, ClinGen allele CA303943298.